The following is an entry in ClinVar:

ClinVar aggregate classification (germline): Uncertain significance (1 of 4 stars; one submission).

Conditions:
Gastrointestinal stromal tumor. Also called: Gastrointestinal stromal tumor, somatic; Gastrointestinal stroma tumor. Identifiers: Orphanet 44890, MedGen C0238198, MeSH D046152, MONDO:0011719, OMIM 606764, HP:0100723.

Submission:

Labcorp Genetics (formerly Invitae), Labcorp
Classification: Uncertain significance for Gastrointestinal stromal tumor. Last evaluated: 2024-11-27. Review status: criteria provided, single submitter. Criteria: Invitae Variant Classification Sherloc (09022015). Collection method: clinical testing. Allele origin: germline.
Comment: This sequence change replaces valine, which is neutral and non-polar, with leucine, which is neutral and non-polar, at codon 20 of the KIT protein (p.Val20Leu). This variant is not present in population databases (gnomAD no frequency). This variant has not been reported in the literature in individuals affected with KIT-related conditions. An algorithm developed to predict the effect of missense changes on protein structure and function outputs the following: PolyPhen-2: "Benign". The leucine amino acid residue is found in multiple mammalian species, which suggests that this missense change does not adversely affect protein function. In summary, the available evidence is currently insufficient to determine the role of this variant in disease. Therefore, it has been classified as a Variant of Uncertain Significance.

NM_000222.3(KIT):c.58G>C (p.Val20Leu)

Gene: KIT (KIT proto-oncogene, receptor tyrosine kinase; plus strand). Cytogenetic location: 4q12.
Variant type: single nucleotide variant.
Coding change: c.58G>C on transcript NM_000222.3 (MANE Select); coding-DNA position 58, G replaced by C.
Protein change: p.Val20Leu; replaces valine 20 with leucine.
Molecular consequence: missense variant.
Genome position (GRCh38, 1-based): chr4:54,658,072, G>C. VCF-style: chr4-54658072-G-C. GRCh37 (hg19) VCF-style: chr4-55524239-G-C.
Other names: c.58G>C, p.Val20Leu (NM_001385284.1, NM_001385285.1, NM_001385286.1 and 4 more transcripts); short protein forms V20L.
Identifiers: ClinVar variation 3700130 (VCV003700130.2).